The following is an entry in ClinVar:

ClinVar aggregate classification (germline): Uncertain significance (1 of 4 stars; one submission).

Allele frequency attached by ClinVar (database versions not stated): TOPMed 0.00002; gnomAD exomes 0.00001.
gnomAD v4.1: 7 of 1,523,950 alleles (0.00046%); highest among the groups gnomAD compares: Non-Finnish European, 0.00061%; no homozygotes.

Submission:

Labcorp Genetics (formerly Invitae), Labcorp
Classification: Uncertain significance. Last evaluated: 2025-06-18. Review status: criteria provided, single submitter. Criteria: Invitae Variant Classification Sherloc (09022015). Collection method: clinical testing. Allele origin: germline.
Comment: This sequence change replaces isoleucine, which is neutral and non-polar, with valine, which is neutral and non-polar, at codon 580 of the RASA2 protein (p.Ile580Val). This variant is not present in population databases (gnomAD no frequency). This variant has not been reported in the literature in individuals affected with RASA2-related conditions. ClinVar contains an entry for this variant (Variation ID: 3007536). Invitae Evidence Modeling of protein sequence and biophysical properties (such as structural, functional, and spatial information, amino acid conservation, physicochemical variation, residue mobility, and thermodynamic stability) indicates that this missense variant is not expected to disrupt RASA2 protein function with a negative predictive value of 80%. In summary, the available evidence is currently insufficient to determine the role of this variant in disease. Therefore, it has been classified as a Variant of Uncertain Significance.

NM_006506.5(RASA2):c.1738A>G (p.Ile580Val)

Gene: RASA2 (RAS p21 protein activator 2; plus strand). Cytogenetic location: 3q23.
Variant type: single nucleotide variant.
Coding change: c.1738A>G on transcript NM_006506.5 (MANE Select); coding-DNA position 1738, A replaced by G.
Protein change: p.Ile580Val; replaces isoleucine 580 with valine.
Molecular consequence: missense variant.
Genome position (GRCh38, 1-based): chr3:141,581,163, A>G. VCF-style: chr3-141581163-A-G. GRCh37 (hg19) VCF-style: chr3-141300005-A-G.
Other names: c.1738A>G, p.Ile580Val (NM_001303245.3, NM_001303246.3); short protein forms I580V.
Identifiers: ClinVar variation 3007536 (VCV003007536.3), dbSNP rs975152023, ClinGen allele CA84653184.